The following is an entry in ClinVar:

NM_000152.5(GAA):c.2704_2709del (p.Gln902_Lys903del)

Gene: GAA (alpha glucosidase; plus strand). Cytogenetic location: 17q25.3.
Variant type: Deletion.
Coding change: c.2704_2709del on transcript NM_000152.5 (MANE Select); coding-DNA positions 2704 to 2709, 6 bases deleted (CAGAAG; older notation c.2704_2709delCAGAAG).
Protein change: p.Gln902_Lys903del.
Genome position (GRCh38, 1-based): chr17:80,118,710-80,118,715, CAGAAG deleted; deleting any 6 consecutive bases within chr17:80,118,709-80,118,715 gives the same sequence; the c. name uses the placement nearest the transcript's 3' end. VCF-style (leftmost placement, unchanged base first): chr17-80118708-TGCAGAA-T. GRCh37 (hg19) VCF-style: chr17-78092507-TGCAGAA-T.
Other names: c.2704_2709del, p.Gln902_Lys903del (NM_001079803.3, NM_001079804.3, NM_001406741.1 and 1 more transcripts).
Identifiers: ClinVar variation 3660972 (VCV003660972.2).

ClinVar aggregate classification (germline): Pathogenic (1 of 4 stars; one submission).

Conditions:
Glycogen storage disease, type II (IOPD). Also called: POMPE DISEASE, INFANTILE-ONSET; GLYCOGEN STORAGE DISEASE II, INFANTILE-ONSET; ACID ALPHA-GLUCOSIDASE DEFICIENCY, INFANTILE-ONSET; GAA DEFICIENCY, INFANTILE-ONSET; ACID MALTASE DEFICIENCY, INFANTILE-ONSET; Glycogen storage disease type 2. Identifiers: Orphanet 365, MedGen C0017921, MONDO:0009290, OMIM 232300.

Submission:

Labcorp Genetics (formerly Invitae), Labcorp
Classification: Pathogenic for Glycogen storage disease, type II. Last evaluated: 2024-10-04. Review status: criteria provided, single submitter. Criteria: Invitae Variant Classification Sherloc (09022015). Collection method: clinical testing. Allele origin: germline.
Comment: This variant, c.2704_2709del, results in the deletion of 2 amino acid(s) of the GAA protein (p.Gln902_Lys903del), but otherwise preserves the integrity of the reading frame. This variant is not present in population databases (gnomAD no frequency). This variant has not been reported in the literature in individuals affected with GAA-related conditions. This variant disrupts a region of the GAA protein in which other variant(s) (p.Lys903del) have been determined to be pathogenic (PMID: 7717400, 21972175; internal data). This suggests that this is a clinically significant region of the protein, and that variants that disrupt it are likely to be disease-causing. For these reasons, this variant has been classified as Pathogenic.

Literature cited by the submitters: PubMed 7717400; PubMed 21972175.